The following is an entry in ClinVar:

ClinVar aggregate classification (germline): Benign/Likely benign. Review status: criteria provided, multiple submitters, no conflicts (2 of 4 stars). 12 submissions from 12 submitters: Benign (4); Likely benign (5). 3 of the submissions do not count toward it. Last evaluated 2026-02-03.

Conditions:
Hereditary breast ovarian cancer syndrome. Also called: BRCA1- and BRCA2-Associated Hereditary Breast and Ovarian Cancer; Hereditary breast and ovarian cancer syndrome; Hereditary breast and ovarian cancer syndrome (HBOC); Breast and ovarian cancer; Hereditary breast and/or ovarian cancer syndrome; Hereditary breast and ovarian cancer. Identifiers: Orphanet 145, MedGen C0677776, MeSH D061325, MONDO:0003582. Disease mechanism: loss of function.
Familial pancreatic carcinoma. Identifiers: Orphanet 1333, MedGen C2931038, MONDO:0015278, OMIM 260350.
Hereditary cancer-predisposing syndrome. Also called: Hereditary Cancer Syndrome; Hereditary neoplastic syndrome; Neoplastic Syndromes, Hereditary; Tumor predisposition. Identifiers: Orphanet 140162, MedGen C0027672, MeSH D009386, MONDO:0015356.
Breast-ovarian cancer, familial, susceptibility to, 1 (BROVCA1). Also called: BRCA1 Hereditary Breast and Ovarian Cancer; OVARIAN CANCER, SUSCEPTIBILITY TO. Identifiers: Orphanet 145, MedGen C2676676, MONDO:0011450, OMIM 604370. Disease mechanism: loss of function.

Allele frequency attached by ClinVar (database versions not stated): gnomAD exomes 0.00004 and 0.00007; ExAC 0.00003; gnomAD 0.00001; TOPMed 0.00003; ESP Exome Variant Server 0.00008.
gnomAD v4.1: 106 of 1,614,076 alleles (0.0066%); highest among the groups gnomAD compares: East Asian, 0.018%; no homozygotes.

Submissions (13):

Labcorp Genetics (formerly Invitae), Labcorp
Classification: Benign for Hereditary breast ovarian cancer syndrome. Last evaluated: 2026-02-03. Review status: criteria provided, single submitter. Criteria: Invitae Variant Classification Sherloc (09022015). Collection method: clinical testing. Allele origin: germline.

Quest Diagnostics Nichols Institute San Juan Capistrano
Classification: Benign. Last evaluated: 2025-04-18. Review status: criteria provided, single submitter. Criteria: Quest Diagnostics criteria. Collection method: clinical testing. Allele origin: unknown.

Sema4
Classification: Likely benign for Hereditary cancer-predisposing syndrome. Last evaluated: 2022-01-20. Review status: criteria provided, single submitter. Criteria: Sema4 Curation Guidelines. Collection method: curation. Allele origin: germline.

ARUP Laboratories, Molecular Genetics and Genomics, ARUP Laboratories
Classification: Likely benign. Last evaluated: 2021-04-30. Review status: criteria provided, single submitter. Criteria: ARUP Molecular Germline Variant Investigation Process 2021. Collection method: clinical testing. Allele origin: germline.

Department of Pathology and Laboratory Medicine, Sinai Health System
Classification: Likely benign for Hereditary breast ovarian cancer syndrome; Familial pancreatic carcinoma. Last evaluated: 2020-11-13. Review status: criteria provided, single submitter. Criteria: ACMG Guidelines, 2015. Collection method: clinical testing. Allele origin: germline. Affected: yes.

GeneDx
Classification: Likely benign. Last evaluated: 2019-07-22. Review status: criteria provided, single submitter. Criteria: GeneDx Variant Classification Process June 2021. Collection method: clinical testing. Allele origin: germline. Affected: yes.
Comment: This variant is associated with the following publications: (PMID: 20516115, 17305420, 10946236, 26689913, 15172985, 30209399, 33087888, 31825140)

Color Diagnostics, LLC DBA Color Health
Classification: Benign for Hereditary cancer-predisposing syndrome. Last evaluated: 2016-10-31. Review status: criteria provided, single submitter. Criteria: ACMG Guidelines, 2015. Collection method: clinical testing. Allele origin: germline.

Women's Health and Genetics/Laboratory Corporation of America, LabCorp
Classification: Likely benign. Last evaluated: 2016-03-24. Review status: criteria provided, single submitter. Criteria: LabCorp Variant Classification Summary - May 2015. Collection method: clinical testing. Allele origin: germline.
Comment: Variant summary: The BRCA1 c.5456A>G variant affects a non-conserved nucleotide, resulting in amino acid change from a medium size and polar Asparagine (N) to a small size and polar Serine (S). 4/4 in-silico tools predict benign outcome for this variant (SNPs&GO not captured due to low reliability index). Functional assays support these in silico predictions of a benign outcome. Homology directed recombination is not impaired by this missense mutation (Lu_BRCA_Nature Comms_2015), nor is the activity of this BRCT domain variant in transcriptional activation (Lee_CR_2010 ) . Pavlicek et al._2004 predicted the variant to lead to a conservative substitution also implicating a neutral outcome. This variant was found in 4/121402 control chromosomes at a frequency of 0.0000329, which does not significantly exceed maximal expected frequency of a pathogenic BRCA1 allele (0.0010005). There is at least one HBOC family reported to have the variant in the literature but this report lacks clinical, co-segregation, and control data, therefore it does not permit establishment of a cause-effect relationship between the variant and HBOC (Judkins_Cancer Res_2005). In addition, several reputable clinical laboratories classified this variant as benign without evidence to independently evaluate. There have been no reports of pathogenic co-occurrences in patients. Functional evidence strongly support a benign outcome, thus this missense BRCA1 variant is classified as likely benign until co-occurrence or co-segregation data are available.

Ambry Genetics
Classification: Benign for Hereditary cancer-predisposing syndrome. Last evaluated: 2014-07-08. Review status: criteria provided, single submitter. Criteria: Ambry Variant Classification Scheme 2023. Collection method: clinical testing. Allele origin: germline.

BRCAlab, Lund University
Classification: Likely benign for Breast-ovarian cancer, familial, susceptibility to, 1. Last evaluated: 2020-03-02. Review status: no assertion criteria provided. Collection method: clinical testing. Allele origin: germline. Affected: yes. Not counted in ClinVar's aggregate classification.

Sharing Clinical Reports Project (SCRP)
Classification: Benign for Breast-ovarian cancer, familial 1. Last evaluated: 2012-05-01. Review status: no assertion criteria provided. Collection method: clinical testing. Allele origin: germline. Not counted in ClinVar's aggregate classification.

Breast Cancer Information Core (BIC) (BRCA1)
Classification: Uncertain significance for Breast-ovarian cancer, familial 1. Last evaluated: 1997-02-15. Review status: no assertion criteria provided. Collection method: clinical testing. Allele origin: germline. Affected: yes. Observed: 2 variant alleles. Not counted in ClinVar's aggregate classification.

Brotman Baty Institute, University of Washington
No classification provided (evidence only). Condition: Breast-ovarian cancer, familial 1. Review status: no classification provided. Collection method: in vitro. Allele origin: not applicable. Functional consequence: functionally_normal. Not counted in ClinVar's aggregate classification.
ClinVar note: "not provided" was previously submitted as the classification for the variant. However, the classification appeared to be based only on an observation of functional data so it was converted to no classification on 2025-07-30.

Literature cited by the submitters: PubMed 20516115 (cited by 3 submitters); PubMed 15172985 (cited by Quest Diagnostics Nichols Institute San Juan Capistrano and Women's Health and Genetics/Laboratory Corporation of America, LabCorp); PubMed 17305420 (cited by Quest Diagnostics Nichols Institute San Juan Capistrano and Women's Health and Genetics/Laboratory Corporation of America, LabCorp); PubMed 26689913 (cited by Department of Pathology and Laboratory Medicine, Sinai Health System and Women's Health and Genetics/Laboratory Corporation of America, LabCorp); PubMed 30209399 (cited by Department of Pathology and Laboratory Medicine, Sinai Health System); PubMed 23265383 (cited by Women's Health and Genetics/Laboratory Corporation of America, LabCorp); PubMed 10946236 (cited by Women's Health and Genetics/Laboratory Corporation of America, LabCorp); PubMed 15385441 (cited by Women's Health and Genetics/Laboratory Corporation of America, LabCorp); PubMed 16267036 (cited by Women's Health and Genetics/Laboratory Corporation of America, LabCorp).

NM_007294.4(BRCA1):c.5456A>G (p.Asn1819Ser)

Gene: BRCA1 (BRCA1 DNA repair associated; minus strand). Cytogenetic location: 17q21.31.
Variant type: single nucleotide variant.
Coding change: c.5456A>G on transcript NM_007294.4 (MANE Select); coding-DNA position 5456, A replaced by G.
Protein change: p.Asn1819Ser; replaces asparagine 1819 with serine.
Molecular consequence: missense variant. On other transcripts: synonymous variant (17).
Genome position (GRCh38, 1-based): chr17:43,047,654, T>C on the plus strand (A>G on the coding strand, the complement: BRCA1 is on the minus strand). VCF-style: chr17-43047654-T-C. GRCh37 (hg19) VCF-style: chr17-41199671-T-C.
Other names: 5575A>G; c.5259A>G, p.Gln1753= (NM_001407937.1, NM_001407938.1); c.5256A>G, p.Gln1752= (NM_001407939.1, NM_001407940.1); c.5253A>G, p.Gln1751= (NM_001407941.1); c.5241A>G, p.Gln1747= (NM_001407942.1); c.5238A>G, p.Gln1746= (NM_001407943.1, NM_001407944.1, NM_001407945.1); c.5123A>G, p.Asn1708Ser (NM_001407946.1, NM_001407947.1, NM_001407948.1 and 1 more transcripts); c.2147A>G, p.Asn716Ser (NM_001407975.1, NM_001407976.1, NM_001407977.1 and 3 more transcripts); and 84 more; short protein forms N1819S, N1840S, N715S, N1772S, N1665S, N1692S, N1731S, N1748S.
Identifiers: ClinVar variation 55585 (VCV000055585.34), dbSNP rs80357286, ClinGen allele CA003607.